The following is an entry in ClinVar:

ClinVar aggregate classification (germline): Conflicting classifications of pathogenicity. Review status: criteria provided, conflicting classifications (1 of 4 stars). 4 submissions from 4 submitters: Uncertain significance (2); Benign (1); Likely benign (1). Last evaluated 2022-07-19.

Conditions:
Collagen 6-related myopathy. Identifiers: MedGen CN117976, MONDO:0100225.
Bethlem myopathy 1A. Also called: Bethlem myopathy 1; MYOPATHY, BENIGN CONGENITAL, WITH CONTRACTURES; Bethlem Muscular Dystrophy. Identifiers: Orphanet 610, MedGen CN029274, MONDO:0024530, OMIM 158810.

Allele frequency attached by ClinVar (database versions not stated): gnomAD 0.00003 and 0.00004; TOPMed 0.00004; gnomAD exomes 0.00006; ExAC 0.00007.
gnomAD v4.1: 49 of 1,612,348 alleles (0.003%); highest among the groups gnomAD compares: African/African-American, 0.0027%; no homozygotes.

Submissions (4):

Labcorp Genetics (formerly Invitae), Labcorp
Classification: Benign for Bethlem myopathy 1A. Last evaluated: 2022-07-19. Review status: criteria provided, single submitter. Criteria: Invitae Variant Classification Sherloc (09022015). Collection method: clinical testing. Allele origin: germline.

GeneDx
Classification: Uncertain significance. Last evaluated: 2021-05-25. Review status: criteria provided, single submitter. Criteria: GeneDx Variant Classification Process June 2021. Collection method: clinical testing. Allele origin: germline. Affected: yes.
Comment: In silico analysis supports that this missense variant does not alter protein structure/function; This variant is associated with the following publications: (PMID: 30564623)

Illumina Laboratory Services, Illumina
Classification: Likely benign for Collagen VI-related myopathy. Last evaluated: 2018-01-12. Review status: criteria provided, single submitter. Criteria: ICSL Variant Classification Criteria 13 December 2019. Collection method: clinical testing. Allele origin: germline.
Comment: This variant was observed in the ICSL laboratory as part of a predisposition screen in an ostensibly healthy population. It had not been previously curated by ICSL or reported in the Human Gene Mutation Database (HGMD: prior to June 1st, 2018), and was therefore a candidate for classification through an automated scoring system. Utilizing variant allele frequency, disease prevalence and penetrance estimates, and inheritance mode, an automated score was calculated to assess if this variant is too frequent to cause the disease. Based on the score and internal cut-off values, a variant classified as likely benign is not then subjected to further curation. The score for this variant resulted in a classification of likely benign for this disease.

Eurofins Ntd Llc (ga)
Classification: Uncertain significance. Last evaluated: 2015-07-09. Review status: criteria provided, single submitter. Criteria: EGL Classification Definitions 2015. Collection method: clinical testing. Allele origin: germline. Observed: 2 variant alleles, 2 heterozygotes.

NM_001848.3(COL6A1):c.1555G>A (p.Glu519Lys)

Gene: COL6A1 (collagen type VI alpha 1 chain; plus strand). Cytogenetic location: 21q22.3.
Variant type: single nucleotide variant.
Coding change: c.1555G>A on transcript NM_001848.3 (MANE Select); coding-DNA position 1555, G replaced by A.
Protein change: p.Glu519Lys; replaces glutamic acid 519 with lysine.
Molecular consequence: missense variant.
Genome position (GRCh38, 1-based): chr21:45,998,151, G>A. VCF-style: chr21-45998151-G-A. GRCh37 (hg19) VCF-style: chr21-47418065-G-A.
Other names: short protein forms E519K.
Identifiers: ClinVar variation 281309 (VCV000281309.18), dbSNP rs754384963, ClinGen allele CA10070396.